The following is an entry in ClinVar:

NM_000179.3(MSH6):c.1421T>G (p.Val474Gly)

Gene: MSH6 (mutS homolog 6; plus strand). Cytogenetic location: 2p16.3.
Variant type: single nucleotide variant.
Coding change: c.1421T>G on transcript NM_000179.3 (MANE Select); coding-DNA position 1421, T replaced by G.
Protein change: p.Val474Gly; replaces valine 474 with glycine.
Molecular consequence: missense variant.
Genome position (GRCh38, 1-based): chr2:47,799,404, T>G. VCF-style: chr2-47799404-T-G. GRCh37 (hg19) VCF-style: chr2-48026543-T-G.
Other names: c.1031T>G, p.Val344Gly (NM_001281492.2); c.515T>G, p.Val172Gly (NM_001281493.2, NM_001281494.2); short protein forms V474G, V344G, V172G.
Identifiers: ClinVar variation 1351697 (VCV001351697.10), dbSNP rs1669329899, ClinGen allele CA346745403.

ClinVar aggregate classification (germline): Uncertain significance. Review status: criteria provided, multiple submitters, no conflicts (2 of 4 stars). 3 submissions from 3 submitters: Uncertain significance (3). Last evaluated 2025-12-12.

Conditions:
Hereditary nonpolyposis colorectal neoplasms. Identifiers: MedGen C0009405, MeSH D003123.
Hereditary cancer-predisposing syndrome. Also called: Neoplastic Syndromes, Hereditary; Tumor predisposition; Hereditary neoplastic syndrome; Hereditary Cancer Syndrome. Identifiers: Orphanet 140162, MedGen C0027672, MeSH D009386, MONDO:0015356.

gnomAD v4.1: 3 of 1,614,148 alleles (0.00019%); highest among the groups gnomAD compares: Non-Finnish European, 0.00025%; no homozygotes.

Submissions (3):

Ambry Genetics
Classification: Uncertain significance for Hereditary cancer-predisposing syndrome. Last evaluated: 2025-12-12. Review status: criteria provided, single submitter. Criteria: Ambry Variant Classification Scheme 2023. Collection method: clinical testing. Allele origin: germline.
Comment: The p.V474G variant (also known as c.1421T>G), located in coding exon 4 of the MSH6 gene, results from a T to G substitution at nucleotide position 1421. The valine at codon 474 is replaced by glycine, an amino acid with dissimilar properties. This amino acid position is conserved. In addition, this alteration is predicted to be deleterious by in silico analysis. Based on the available evidence, the clinical significance of this variant remains unclear.

Color Diagnostics, LLC DBA Color Health
Classification: Uncertain significance for Hereditary cancer-predisposing syndrome. Last evaluated: 2025-01-27. Review status: criteria provided, single submitter. Criteria: ACMG Guidelines, 2015. Collection method: clinical testing. Allele origin: germline.
Comment: This missense variant replaces valine with glycine at codon 474 of the MSH6 protein. Computational prediction suggests that this variant may have deleterious impact on protein structure and function (internally defined REVEL score threshold >= 0.7, PMID: 27666373). To our knowledge, functional studies have not been reported for this variant. This variant has not been reported in individuals affected with MSH6-related disorders in the literature. This variant has not been identified in the general population by the Genome Aggregation Database (gnomAD). The available evidence is insufficient to determine the role of this variant in disease conclusively. Therefore, this variant is classified as a Variant of Uncertain Significance.

Labcorp Genetics (formerly Invitae), Labcorp
Classification: Uncertain significance for Hereditary nonpolyposis colorectal neoplasms. Last evaluated: 2022-05-22. Review status: criteria provided, single submitter. Criteria: Invitae Variant Classification Sherloc (09022015). Collection method: clinical testing. Allele origin: germline.
Comment: In summary, the available evidence is currently insufficient to determine the role of this variant in disease. Therefore, it has been classified as a Variant of Uncertain Significance. Advanced modeling of protein sequence and biophysical properties (such as structural, functional, and spatial information, amino acid conservation, physicochemical variation, residue mobility, and thermodynamic stability) performed at Invitae indicates that this missense variant is expected to disrupt MSH6 protein function. This variant has not been reported in the literature in individuals affected with MSH6-related conditions. This variant is not present in population databases (gnomAD no frequency). This sequence change replaces valine, which is neutral and non-polar, with glycine, which is neutral and non-polar, at codon 474 of the MSH6 protein (p.Val474Gly).